The following is an entry in ClinVar:

NM_002691.4(POLD1):c.1029C>G (p.Arg343=)

Gene: POLD1 (DNA polymerase delta 1, catalytic subunit; plus strand). Cytogenetic location: 19q13.33.
Variant type: single nucleotide variant.
Coding change: c.1029C>G on transcript NM_002691.4 (MANE Select); coding-DNA position 1029, C replaced by G.
Protein change: p.Arg343=; no amino-acid change (arginine 343 retained).
Molecular consequence: synonymous variant. On other transcripts: non-coding transcript variant (1).
Genome position (GRCh38, 1-based): chr19:50,403,111, C>G. VCF-style: chr19-50403111-C-G. GRCh37 (hg19) VCF-style: chr19-50906368-C-G.
Other names: c.1029C>G, p.Arg343= (NM_001256849.1, NM_001308632.1).
Identifiers: ClinVar variation 484418 (VCV000484418.13), dbSNP rs759213871, ClinGen allele CA508182566.

ClinVar aggregate classification (germline): Benign/Likely benign. Review status: criteria provided, multiple submitters, no conflicts (2 of 4 stars). 3 submissions from 3 submitters: Benign (1); Likely benign (2). Last evaluated 2025-02-05.

Conditions:
POLD1-related polyposis and colorectal cancer syndrome (CRCS10). Also called: Colorectal cancer 10; COLORECTAL CANCER, SUSCEPTIBILITY TO, ON CHROMOSOME 19q; Colorectal cancer, susceptibility to, 10. Identifiers: Orphanet 220460, MedGen C2675481, MONDO:0012953, OMIM 612591.
Hereditary cancer-predisposing syndrome. Also called: Tumor predisposition; Hereditary Cancer Syndrome; Hereditary neoplastic syndrome; Neoplastic Syndromes, Hereditary. Identifiers: Orphanet 140162, MedGen C0027672, MeSH D009386, MONDO:0015356.

gnomAD v4.1: 1 of 1,564,698 alleles (0.000064%); no homozygotes.

Submissions (3):

Myriad Genetics, Inc.
Classification: Benign for POLD1-related polyposis and colorectal cancer syndrome. Last evaluated: 2025-02-05. Review status: criteria provided, single submitter. Criteria: Myriad Autosomal Dominant, Autosomal Recessive and X-Linked Classification Criteria (2023). Collection method: clinical testing. Allele origin: unknown.
Comment: This variant is considered benign. This variant is a silent/synonymous amino acid change and it is not expected to impact splicing.

Labcorp Genetics (formerly Invitae), Labcorp
Classification: Likely benign for POLD1-related polyposis and colorectal cancer syndrome. Last evaluated: 2024-12-22. Review status: criteria provided, single submitter. Criteria: Invitae Variant Classification Sherloc (09022015). Collection method: clinical testing. Allele origin: germline.

Ambry Genetics
Classification: Likely benign for Hereditary cancer-predisposing syndrome. Last evaluated: 2017-01-27. Review status: criteria provided, single submitter. Criteria: Ambry Variant Classification Scheme 2023. Collection method: clinical testing. Allele origin: germline.